The following is an entry in ClinVar:

NM_001040108.2(MLH3):c.3916C>A (p.Leu1306Ile)

Gene: MLH3 (mutL homolog 3; minus strand). Cytogenetic location: 14q24.3.
Variant type: single nucleotide variant.
Coding change: c.3916C>A on transcript NM_001040108.2 (MANE Select); coding-DNA position 3916, C replaced by A.
Protein change: p.Leu1306Ile; replaces leucine 1306 with isoleucine.
Molecular consequence: missense variant.
Genome position (GRCh38, 1-based): chr14:75,030,614, G>T on the plus strand (C>A on the coding strand, the complement: MLH3 is on the minus strand). VCF-style: chr14-75030614-G-T. GRCh37 (hg19) VCF-style: chr14-75497317-G-T.
Other names: c.3844C>A, p.Leu1282Ile (NM_014381.3); short protein forms L1282I, L1306I.
Identifiers: ClinVar variation 1736145 (VCV001736145.2), dbSNP rs2503117511, ClinGen allele CA390422741.
Genomic context (GRCh38, chr14:75,030,614, plus strand): 5'-TCTTGGTCACAGTAGATCTTCCTCTCCGAAGTTCATTGGCTTCTCTTTCCACAAAACATA[G>T]TGGTACTTTTCCCACAAGGACCAGAGAATCACTAGTGTCTGGAAATACAAATTCAAGGCC-3'
Protein context (NP_001035197.1, residues 1296-1316): DSLVLVGKVP[Leu1306Ile]CFVEREANEL

ClinVar aggregate classification (germline): Uncertain significance (1 of 4 stars; one submission).

Submission:

Ambry Genetics
Classification: Uncertain significance. Last evaluated: 2021-12-11. Review status: criteria provided, single submitter. Criteria: Ambry Variant Classification Scheme 2023. Collection method: clinical testing. Allele origin: germline.
Comment: The p.L1306I variant (also known as c.3916C>A), located in coding exon 8 of the MLH3 gene, results from a C to A substitution at nucleotide position 3916. The leucine at codon 1306 is replaced by isoleucine, an amino acid with highly similar properties. This amino acid position is conserved. In addition, this alteration is predicted to be tolerated by in silico analysis. Since supporting evidence is limited at this time, the clinical significance of this alteration remains unclear.